The following is an entry in ClinVar:

ClinVar aggregate classification (germline): Conflicting classifications of pathogenicity. Review status: criteria provided, conflicting classifications (1 of 4 stars). 3 submissions from 3 submitters: Uncertain significance (1); Benign (1); Likely benign (1). Last evaluated 2026-07-02.

Conditions:
Sessile serrated polyposis cancer syndrome (SSPCS). Identifiers: Orphanet 157798, MedGen C4310714, MONDO:0014919, OMIM 617108.

gnomAD v4.1: 145 of 1,613,804 alleles (0.009%); highest among the groups gnomAD compares: Non-Finnish European, 0.012%; no homozygotes.

Submissions (3):

Myriad Genetics, Inc.
Classification: Benign for Sessile serrated polyposis cancer syndrome. Last evaluated: 2026-07-02. Review status: criteria provided, single submitter. Criteria: Myriad Autosomal Dominant, Autosomal Recessive and X-Linked Classification Criteria (2023). Collection method: clinical testing. Allele origin: unknown.
Comment: This variant is considered benign. This variant occurs in the non-coding 3' untranslated region of the gene, and is not expected to impact protein function.

Center for Genomic Medicine, Rigshospitalet, Copenhagen University Hospital
Classification: Likely benign. Last evaluated: 2025-12-29. Review status: criteria provided, single submitter. Criteria: ACMG Guidelines, 2015. Collection method: clinical testing. Allele origin: germline.

GeneDx
Classification: Uncertain significance. Last evaluated: 2023-12-22. Review status: criteria provided, single submitter. Criteria: GeneDx Variant Classification Process June 2021. Collection method: clinical testing. Allele origin: germline. Affected: yes.
Comment: Has not been previously published as pathogenic or benign to our knowledge; Variants in candidate genes are classified as variants of uncertain significance in accordance with ACMG guidelines (PMID: 25741868)

NM_017763.6(RNF43):c.*8A>G

Gene: RNF43 (ring finger protein 43; minus strand). Cytogenetic location: 17q22.
Variant type: single nucleotide variant.
Coding change: c.*8A>G on transcript NM_017763.6 (MANE Select); 8 bases downstream of the stop codon, A replaced by G.
Molecular consequence: 3 prime UTR variant.
Genome position (GRCh38, 1-based): chr17:58,354,935, T>C on the plus strand (A>G on the coding strand, the complement: RNF43 is on the minus strand). VCF-style: chr17-58354935-T-C. GRCh37 (hg19) VCF-style: chr17-56432296-T-C.
Other names: c.*8A>G (NM_001305544.3, NM_001305545.2).
Identifiers: ClinVar variation 3340809 (VCV003340809.3).